The following is an entry in ClinVar:

ClinVar aggregate classification (germline): Conflicting classifications of pathogenicity. Review status: criteria provided, conflicting classifications (1 of 4 stars). 2 submissions from 2 submitters: Likely pathogenic (1); Uncertain significance (1). Last evaluated 2025-05-27.

Conditions:
Niemann-Pick disease, type A. Also called: Infantile Neurovisceral ASMD (Niemann-Pick Disease Type A; NPD-A); SPHINGOMYELIN LIPIDOSIS; SPHINGOMYELINASE DEFICIENCY. Identifiers: Orphanet 77292, MedGen C0268242, MONDO:0009756, OMIM 257200. Disease mechanism: loss of function.
Niemann-Pick disease, type B. Also called: Chronic Visceral ASMD (Niemann-Pick Disease Type B; NPD-B). Identifiers: Orphanet 77293, MedGen C0268243, MONDO:0011871, OMIM 607616. Disease mechanism: loss of function.

Submissions (2):

Women's Health and Genetics/Laboratory Corporation of America, LabCorp
Classification: Uncertain significance. Last evaluated: 2025-05-27. Review status: criteria provided, single submitter. Criteria: LabCorp Variant Classification Summary - May 2015. Collection method: clinical testing. Allele origin: germline.
Comment: Variant summary: SMPD1 c.1553C>T (p.Thr518Ile) results in a non-conservative amino acid change in the encoded protein sequence. Algorithms developed to predict the effect of missense changes on protein structure and function all suggest that this variant is likely to be disruptive. The variant was absent in 251396 control chromosomes. The available data on variant occurrences in the general population are insufficient to allow any conclusion about variant significance. c.1553C>T has been observed in individuals affected with Niemann-Pick disease Types A/B (Hu_2021, Wang_2022). These data do not allow any conclusion about variant significance. To our knowledge, no experimental evidence demonstrating an impact on protein function has been reported. The following publications have been ascertained in the context of this evaluation (PMID: 33675270, 35534800, 34867278). ClinVar contains an entry for this variant (Variation ID: 992711). Based on the evidence outlined above, the variant was classified as uncertain significance.

Huiwen Zhang's lab, Shanghai Jiao Tong University School of Medicine, Xinhua Hospital
Classification: Likely pathogenic for Niemann-Pick disease, type A; Niemann-Pick disease, type B. Last evaluated: 2020-12-30. Review status: criteria provided, single submitter. Criteria: ACMG Guidelines, 2015. Collection method: clinical testing. Allele origin: inherited. Affected: yes.

Literature cited by the submitters: PubMed 33675270 (cited by Women's Health and Genetics/Laboratory Corporation of America, LabCorp); PubMed 34867278 (cited by Women's Health and Genetics/Laboratory Corporation of America, LabCorp); PubMed 35534800 (cited by Women's Health and Genetics/Laboratory Corporation of America, LabCorp).

NM_000543.5(SMPD1):c.1553C>T (p.Thr518Ile)

Gene: SMPD1 (sphingomyelin phosphodiesterase 1; plus strand). Cytogenetic location: 11p15.4.
Variant type: single nucleotide variant.
Coding change: c.1553C>T on transcript NM_000543.5 (MANE Select); coding-DNA position 1553, C replaced by T.
Protein change: p.Thr518Ile; replaces threonine 518 with isoleucine.
Molecular consequence: missense variant. On other transcripts: 3 prime UTR variant (1), non-coding transcript variant (2).
Genome position (GRCh38, 1-based): chr11:6,394,264, C>T. VCF-style: chr11-6394264-C-T. GRCh37 (hg19) VCF-style: chr11-6415494-C-T.
Other names: c.1550C>T, p.Thr517Ile (NM_001007593.3); c.*46C>T (NM_001318087.2); c.632C>T, p.Thr211Ile (NM_001318088.2); c.1421C>T, p.Thr474Ile (NM_001365135.2); short protein forms T211I, T474I, T517I, T518I.
Identifiers: ClinVar variation 992711 (VCV000992711.2), dbSNP rs752679988, ClinGen allele CA379376193.
Genomic context (GRCh38, chr11:6,394,264, plus strand): 5'-GTGTGTACCAAATAGATGGAAACTACTCCGGGAGCTCTCACGTGGTCCTGGACCATGAGA[C>T]CTACATCCTGAATCTGACCCAGGCAAACATACCGGGAGCCATACCGCACTGGCAGCTTCT-3'
Protein context (NP_000534.3, residues 508-528): GSSHVVLDHE[Thr518Ile]YILNLTQANI